The following is an entry in ClinVar:

NM_012301.4(MAGI2):c.1565G>C (p.Ser522Thr)

Gene: MAGI2 (membrane associated guanylate kinase, WW and PDZ domain containing 2; minus strand). Cytogenetic location: 7q21.11.
Variant type: single nucleotide variant.
Coding change: c.1565G>C on transcript NM_012301.4 (MANE Select); coding-DNA position 1565, G replaced by C.
Protein change: p.Ser522Thr; replaces serine 522 with threonine.
Molecular consequence: missense variant.
Genome position (GRCh38, 1-based): chr7:78,256,425, C>G on the plus strand (G>C on the coding strand, the complement: MAGI2 is on the minus strand). VCF-style: chr7-78256425-C-G. GRCh37 (hg19) VCF-style: chr7-77885742-C-G.
Other names: c.1565G>C, p.Ser522Thr (NM_001301128.2); short protein forms S522T.
Identifiers: ClinVar variation 2142380 (VCV002142380.2), dbSNP rs1792984432, ClinGen allele CA368003226.
Genomic context (GRCh38, chr7:78,256,425, plus strand): 5'-TGTCTTCCATTGACCATCACTGGAGGTGGCCTCTCCATTATTGCAAGGGGTGGCACCATG[C>G]TGTTAGCAGGGTCTTCAGGATCAAAGGGCAAAGGGTAGCCACGACACAACACCAGGTTGA-3'
Protein context (NP_036433.2, residues 512-532): LPFDPEDPAN[Ser522Thr]MVPPLAIMER

ClinVar aggregate classification (germline): Uncertain significance (1 of 4 stars; one submission).

gnomAD v4.1: 3 of 1,613,890 alleles (0.00019%); highest among the groups gnomAD compares: East Asian, 0.0022%; no homozygotes.

Submission:

Labcorp Genetics (formerly Invitae), Labcorp
Classification: Uncertain significance. Last evaluated: 2024-10-08. Review status: criteria provided, single submitter. Criteria: Invitae Variant Classification Sherloc (09022015). Collection method: clinical testing. Allele origin: germline.
Comment: This sequence change replaces serine, which is neutral and polar, with threonine, which is neutral and polar, at codon 522 of the MAGI2 protein (p.Ser522Thr). This variant is not present in population databases (gnomAD no frequency). This variant has not been reported in the literature in individuals affected with MAGI2-related conditions. ClinVar contains an entry for this variant (Variation ID: 2142380). An algorithm developed to predict the effect of missense changes on protein structure and function (PolyPhen-2) suggests that this variant¬†is likely to be tolerated. In summary, the available evidence is currently insufficient to determine the role of this variant in disease. Therefore, it has been classified as a Variant of Uncertain Significance.